The following is an entry in ClinVar:

NM_017780.4(CHD7):c.-1G>T

Gene: CHD7 (chromodomain helicase DNA binding protein 7; plus strand). Cytogenetic location: 8q12.2.
Variant type: single nucleotide variant.
Coding change: c.-1G>T on transcript NM_017780.4 (MANE Select); 1 bases upstream of the start codon, G replaced by T.
Molecular consequence: 5 prime UTR variant.
Genome position (GRCh38, 1-based): chr8:60,741,432, G>T. VCF-style: chr8-60741432-G-T. GRCh37 (hg19) VCF-style: chr8-61653991-G-T.
Other names: c.-1G>T (NM_001316690.1).
Identifiers: ClinVar variation 4888053 (VCV004888053.1).

ClinVar aggregate classification (germline): Uncertain significance (1 of 4 stars; one submission).

gnomAD v4.1: 11 of 1,598,832 alleles (0.00069%); highest among the groups gnomAD compares: African/African-American, 0.015%; no homozygotes.

Submission:

GeneDx
Classification: Uncertain significance. Last evaluated: 2026-02-04. Review status: criteria provided, single submitter. Criteria: GeneDx Variant Classification Process June 2021. Collection method: clinical testing. Allele origin: germline.
Comment: Has not been previously published as pathogenic or benign to our knowledge; Located in a regulatory region; in the absence of functional studies, the actual effect of this sequence change is unknown